The following is an entry in ClinVar:

ClinVar aggregate classification (germline): Uncertain significance. Review status: criteria provided, multiple submitters, no conflicts (2 of 4 stars). 3 submissions from 3 submitters: Uncertain significance (3). Last evaluated 2025-10-31.

Allele frequency attached by ClinVar (database versions not stated): gnomAD exomes 0.00007 and 0.00016; ExAC 0.00008; gnomAD 0.00012 and 0.00013; TOPMed 0.00018; ESP Exome Variant Server 0.00031.
gnomAD v4.1: 244 of 1,614,050 alleles (0.015%); highest among the groups gnomAD compares: Non-Finnish European, 0.018%; no homozygotes.

Submissions (3):

Mayo Clinic Laboratories, Mayo Clinic
Classification: Uncertain significance. Last evaluated: 2025-10-31. Review status: criteria provided, single submitter. Criteria: ACMG Guidelines, 2015. Collection method: clinical testing. Allele origin: germline. Observed: 1 variant allele.
Comment: BP4_moderate

Labcorp Genetics (formerly Invitae), Labcorp
Classification: Uncertain significance. Last evaluated: 2023-01-30. Review status: criteria provided, single submitter. Criteria: Invitae Variant Classification Sherloc (09022015). Collection method: clinical testing. Allele origin: germline.
Comment: Algorithms developed to predict the effect of missense changes on protein structure and function output the following: SIFT: "Tolerated"; PolyPhen-2: "Benign"; Align-GVGD: "Class C0". The histidine amino acid residue is found in multiple mammalian species, which suggests that this missense change does not adversely affect protein function. In summary, the available evidence is currently insufficient to determine the role of this variant in disease. Therefore, it has been classified as a Variant of Uncertain Significance. ClinVar contains an entry for this variant (Variation ID: 1315698). This variant has not been reported in the literature in individuals affected with RNF213-related conditions. This variant is present in population databases (rs372211904, gnomAD 0.01%). This sequence change replaces arginine, which is basic and polar, with histidine, which is basic and polar, at codon 3585 of the RNF213 protein (p.Arg3585His).

GeneDx
Classification: Uncertain significance. Last evaluated: 2022-03-24. Review status: criteria provided, single submitter. Criteria: GeneDx Variant Classification Process June 2021. Collection method: clinical testing. Allele origin: germline. Affected: yes.
Comment: In silico analysis, which includes protein predictors and evolutionary conservation, supports that this variant does not alter protein structure/function; Has not been previously published as pathogenic or benign to our knowledge

NM_001256071.3(RNF213):c.10754G>A (p.Arg3585His)

Genes: RNF213 (ring finger protein 213; plus strand), RNF213-AS1 (RNF213 antisense RNA 1; minus strand). Cytogenetic location: 17q25.3.
Variant type: single nucleotide variant.
Coding change: c.10754G>A on transcript NM_001256071.3 (MANE Select); coding-DNA position 10754, G replaced by A.
Protein change: p.Arg3585His; replaces arginine 3585 with histidine.
Molecular consequence: missense variant. On other transcripts: non-coding transcript variant (1).
Genome position (GRCh38, 1-based): chr17:80,354,468, G>A. VCF-style: chr17-80354468-G-A. GRCh37 (hg19) VCF-style: chr17-78328268-G-A.
Other names: p.Arg3585His; short protein forms R3585H.
Identifiers: ClinVar variation 1315698 (VCV001315698.7), dbSNP rs372211904, ClinGen allele CA8821560.